The following is an entry in ClinVar:

ClinVar aggregate classification (germline): Conflicting classifications of pathogenicity. Review status: criteria provided, conflicting classifications (1 of 4 stars). 2 submissions from 2 submitters: Uncertain significance (1); Likely benign (1). Last evaluated 2026-02-02.

Conditions:
Spastic paraplegia 93, autosomal recessive. Identifiers: MedGen C5975375, MONDO:0975796, OMIM 620938.
Inborn genetic diseases. Identifiers: MedGen C0950123, MeSH D030342.

gnomAD v4.1: 66 of 1,604,102 alleles (0.0041%); highest among the groups gnomAD compares: South Asian, 0.065%; 1 homozygote.

Submissions (2):

Centre for Medical Genetics,  Mumbai
Classification: Likely benign for Spastic paraplegia 93, autosomal recessive. Last evaluated: 2026-02-02. Review status: criteria provided, single submitter. Criteria: ACMG Guidelines, 2015. Collection method: provider interpretation. Allele origin: germline. Inheritance: Autosomal recessive inheritance. Affected: no. Observed: 1 homozygote.
Comment: The variant satisfies PM2 criteria; Extremely low frequency in gnomAD population databases. The variant satisfies PP2 criteria; Missense variant in a gene with low rate of benign missense mutations and for which missense mutation is a common mechanism of a disease However, the variant satisfies BS2 criteria.

Ambry Genetics
Classification: Uncertain significance for Inborn genetic diseases. Last evaluated: 2024-06-16. Review status: criteria provided, single submitter. Criteria: Ambry Variant Classification Scheme 2023. Collection method: clinical testing. Allele origin: germline.

Literature cited by the submitters: PubMed 36256512 (cited by Centre for Medical Genetics,  Mumbai).

NM_001002755.4(NFU1):c.727G>A (p.Asp243Asn)

Gene: NFU1 (NFU1 iron-sulfur cluster scaffold; minus strand). Cytogenetic location: 2p13.3.
Variant type: single nucleotide variant.
Coding change: c.727G>A on transcript NM_001002755.4 (MANE Select); coding-DNA position 727, G replaced by A.
Protein change: p.Asp243Asn; replaces aspartic acid 243 with asparagine.
Molecular consequence: missense variant. On other transcripts: non-coding transcript variant (2).
Genome position (GRCh38, 1-based): chr2:69,396,284, C>T on the plus strand (G>A on the coding strand, the complement: NFU1 is on the minus strand). VCF-style: chr2-69396284-C-T. GRCh37 (hg19) VCF-style: chr2-69623416-C-T.
Other names: c.304G>A, p.Asp102Asn (NM_001002756.2); c.655G>A, p.Asp219Asn (NM_001374284.1, NM_015700.4); short protein forms D219N, D102N, D243N.
Identifiers: ClinVar variation 3299569 (VCV003299569.2).
Genomic context (GRCh38, chr2:69,396,284, plus strand): 5'-CCCAAAGAAAATCCAGATTATTTTAAGGTGAGTTTGCTTCTTTTTCATCTGATTCATCAT[C>T]CATAACCTAAAACCAAAAAACAAAGACAATTTAAGAATTAAGAAAATGATTAGATTTTGC-3'
Protein context (NP_001002755.1, residues 233-253): PEVEGVEQVM[Asp243Asn]DESDEKEANS